The following is an entry in ClinVar:

ClinVar aggregate classification (germline): Uncertain significance. Review status: criteria provided, multiple submitters, no conflicts (2 of 4 stars). 3 submissions from 3 submitters: Uncertain significance (3). Last evaluated 2026-04-27.

Submissions (3):

Women's Health and Genetics/Laboratory Corporation of America, LabCorp
Classification: Uncertain significance. Last evaluated: 2026-04-27. Review status: criteria provided, single submitter. Criteria: LabCorp Variant Classification Summary - May 2015. Collection method: clinical testing. Allele origin: germline.
Comment: Variant summary: SHOX c.72_77delAGGCGG (p.Gly27_Gly28del) results in an in-frame deletion that is predicted to remove two amino acids from the encoded protein. The variant allele was found at a frequency of 0.00012 in 250898 control chromosomes. This frequency is not significantly higher than estimated for disease-causing variants in SHOX, allowing no conclusion about variant significance. To our knowledge, no occurrence of c.72_77delAGGCGG in individuals affected with SHOX-related conditions and no experimental evidence demonstrating its impact on protein function have been reported. ClinVar contains an entry for this variant (Variation ID: 586581). Based on the evidence outlined above, the variant was classified as uncertain significance.

Athena Diagnostics
Classification: Uncertain significance. Last evaluated: 2023-05-02. Review status: criteria provided, single submitter. Criteria: Athena Diagnostics Criteria. Collection method: clinical testing. Allele origin: unknown.
Comment: Available data are insufficient to determine the clinical significance of the variant at this time. The frequency of this variant in the general population is higher than would generally be expected for pathogenic variants in this gene. Computational tools yielded predictions that this variant is unlikely to have an effect on normal RNA splicing.

GeneDx
Classification: Uncertain significance. Last evaluated: 2021-06-08. Review status: criteria provided, single submitter. Criteria: GeneDx Variant Classification Process June 2021. Collection method: clinical testing. Allele origin: germline. Affected: yes.
Comment: In-frame deletion of 2 amino acids in a non-repeat region; Has not been previously published as pathogenic or benign to our knowledge; This variant is associated with the following publications: (PMID: 27535533, 11408757)

NM_000451.4(SHOX):c.66AGGCGG[1] (p.Gly27_Gly28del)

Gene: SHOX (SHOX homeobox; plus strand). Cytogenetic location: Xp22.33.
Variant type: Microsatellite.
Coding change: c.66AGGCGG[1] on transcript NM_000451.4 (MANE Select); one copy of the 6-base unit AGGCGG starting at c.66; the reference has two copies in a row; one copy, 6 bases deleted; also written c.72_77del.
Protein change: p.Gly27_Gly28del.
Molecular consequence: inframe deletion.
Genome position (GRCh38, 1-based): chrX:630,969-630,974, AGGCGG deleted; deleting any 6 consecutive bases within chrX:630,958-630,974 gives the same sequence; the position shown is the placement nearest the transcript's 3' end. VCF-style (leftmost placement, unchanged base first): chrX-630957-CGGCGGA-C. GRCh37 (hg19) VCF-style: chrX-591692-CGGCGGA-C.
Other names: c.72_77del (NM_000451.3); c.66AGGCGG[1], p.Gly27_Gly28del (NM_006883.2); c.72_77delAGGCGG (NM_000451.4).
Identifiers: ClinVar variation 586581 (VCV000586581.5), dbSNP rs747349135, ClinGen allele CA10329836.